The following is an entry in ClinVar:

ClinVar aggregate classification (germline): Uncertain significance. Review status: criteria provided, single submitter (1 of 4 stars). 2 submissions from 2 submitters: Uncertain significance (1). 1 of the submissions does not count toward it. Last evaluated 2023-11-14.

Conditions:
KIRREL1-related disorder. Also called: KIRREL1-related condition.

Allele frequency attached by ClinVar (database versions not stated): gnomAD 0.00001; gnomAD exomes 0.00001; TOPMed 0.00001.
gnomAD v4.1: 20 of 1,551,918 alleles (0.0013%); highest among the groups gnomAD compares: Middle Eastern, 0.017%; no homozygotes.

Submissions (2):

Ambry Genetics
Classification: Uncertain significance. Last evaluated: 2023-11-14. Review status: criteria provided, single submitter. Criteria: Ambry Variant Classification Scheme 2023. Collection method: clinical testing. Allele origin: germline.

PreventionGenetics, part of Exact Sciences
Classification: Uncertain significance for KIRREL1-related condition. Last evaluated: 2024-06-06. Review status: no assertion criteria provided. Collection method: clinical testing. Allele origin: germline. Not counted in ClinVar's aggregate classification.
Comment: The KIRREL1 c.544G>A variant is predicted to result in the amino acid substitution p.Val182Met. To our knowledge, this variant has not been reported in the literature or in a large population database, indicating this variant is rare. At this time, the clinical significance of this variant is uncertain due to the absence of conclusive functional and genetic evidence.

NM_018240.7(KIRREL1):c.544G>A (p.Val182Met)

Gene: KIRREL1 (kirre like nephrin family adhesion molecule 1; plus strand). Cytogenetic location: 1q23.1.
Variant type: single nucleotide variant.
Coding change: c.544G>A on transcript NM_018240.7 (MANE Select); coding-DNA position 544, G replaced by A.
Protein change: p.Val182Met; replaces valine 182 with methionine.
Molecular consequence: missense variant.
Genome position (GRCh38, 1-based): chr1:158,086,629, G>A. VCF-style: chr1-158086629-G-A. GRCh37 (hg19) VCF-style: chr1-158056419-G-A.
Other names: c.244G>A, p.Val82Met (NM_001286349.2); c.544G>A (NM_018240.6); short protein forms V82M, V182M.
Identifiers: ClinVar variation 3115140 (VCV003115140.2), dbSNP rs1207562323, ClinGen allele CA342976551.
Genomic context (GRCh38, chr1:158,086,629, plus strand): 5'-ATATCTCCCACCCTTGTCATGTTCCAGGAATTGCTGAAGGATGGGAAGAGGGAGACCACC[G>A]TGAGCCAACTGCTTATTAACCCCACGGACCTGGACATAGGGCGTGTCTTCACTTGCCGAA-3'
Protein context (NP_060710.3, residues 172-192): LLKDGKRETT[Val182Met]SQLLINPTDL